The following is an entry in ClinVar:

NM_177438.3(DICER1):c.5031C>T (p.Phe1677=)

Gene: DICER1 (dicer 1, ribonuclease III; minus strand). Cytogenetic location: 14q32.13.
Variant type: single nucleotide variant.
Coding change: c.5031C>T on transcript NM_177438.3 (MANE Select); coding-DNA position 5031, C replaced by T.
Protein change: p.Phe1677=; no amino-acid change (phenylalanine 1677 retained).
Molecular consequence: synonymous variant.
Genome position (GRCh38, 1-based): chr14:95,095,889, G>A on the plus strand (C>T on the coding strand, the complement: DICER1 is on the minus strand). VCF-style: chr14-95095889-G-A. GRCh37 (hg19) VCF-style: chr14-95562226-G-A.
Other names: c.5031C>T, p.Phe1677= (NM_001195573.1, NM_001271282.3, NM_001291628.2 and 1 more transcripts).
Identifiers: ClinVar variation 748654 (VCV000748654.17), dbSNP rs1173601689, ClinGen allele CA487625693.

ClinVar aggregate classification (germline): Benign/Likely benign. Review status: criteria provided, multiple submitters, no conflicts (2 of 4 stars). 3 submissions from 3 submitters: Benign (1); Likely benign (2). Last evaluated 2026-04-20.

Conditions:
Hereditary cancer-predisposing syndrome. Also called: Tumor predisposition; Hereditary Cancer Syndrome; Hereditary neoplastic syndrome; Neoplastic Syndromes, Hereditary. Identifiers: Orphanet 140162, MedGen C0027672, MeSH D009386, MONDO:0015356.
DICER1-related tumor predisposition. Also called: DICER1 syndrome; DICER1-related pleuropulmonary blastoma cancer predisposition syndrome. Identifiers: Orphanet 284343, MedGen C3839822, MONDO:0100216.

Allele frequency attached by ClinVar (database versions not stated): TOPMed below 0.00001.
gnomAD v4.1: 1 of 1,614,148 alleles (0.000062%); no homozygotes.

Submissions (3):

Myriad Genetics, Inc.
Classification: Benign for DICER1-related tumor predisposition. Last evaluated: 2026-04-20. Review status: criteria provided, single submitter. Criteria: Myriad Autosomal Dominant, Autosomal Recessive and X-Linked Classification Criteria (2023). Collection method: clinical testing. Allele origin: unknown.
Comment: This variant is considered benign. This variant is a silent/synonymous amino acid change and it is not expected to impact splicing.

Labcorp Genetics (formerly Invitae), Labcorp
Classification: Likely benign for DICER1-related tumor predisposition. Last evaluated: 2026-01-26. Review status: criteria provided, single submitter. Criteria: Invitae Variant Classification Sherloc (09022015). Collection method: clinical testing. Allele origin: germline.

Ambry Genetics
Classification: Likely benign for Hereditary cancer-predisposing syndrome. Last evaluated: 2019-09-21. Review status: criteria provided, single submitter. Criteria: Ambry Variant Classification Scheme 2023. Collection method: clinical testing. Allele origin: germline.